The following is an entry in ClinVar:

NM_001164508.2(NEB):c.20467-4T>A

Gene: NEB (nebulin; minus strand). Cytogenetic location: 2q23.3.
Variant type: single nucleotide variant.
Coding change: c.20467-4T>A on transcript NM_001164508.2 (MANE Select); 4 bases into the intron before coding-DNA position 20467, T replaced by A.
Molecular consequence: intron variant.
Genome position (GRCh38, 1-based): chr2:151,546,002, A>T on the plus strand (T>A on the coding strand, the complement: NEB is on the minus strand). VCF-style: chr2-151546002-A-T. GRCh37 (hg19) VCF-style: chr2-152402516-A-T.
Other names: p.?; c.15364-4T>A (NM_004543.5); c.20467-4T>A (NM_001164507.2, NM_001271208.2).
Identifiers: ClinVar variation 95111 (VCV000095111.23), dbSNP rs199791504, ClinGen allele CA222738.

ClinVar aggregate classification (germline): Benign/Likely benign. Review status: criteria provided, multiple submitters, no conflicts (2 of 4 stars). 9 submissions from 9 submitters: Benign (4); Likely benign (3). 2 of the submissions do not count toward it. Last evaluated 2026-02-04.

Conditions:
Nemaline myopathy 2 (NEM2). Also called: Nemaline myopathy 2, autosomal recessive. Identifiers: MedGen C1850569, MONDO:0009725, OMIM 256030.

Allele frequency attached by ClinVar (database versions not stated): TOPMed 0.00853; gnomAD exomes 0.01274 and 0.09568; gnomAD 0.04241 and 0.04348; ExAC 0.23150.
gnomAD v4.1: 10,084 of 722,374 alleles (1.4%); highest among the groups gnomAD compares: Middle Eastern, 2.9%; 26 homozygotes.

Submissions (9):

Labcorp Genetics (formerly Invitae), Labcorp
Classification: Likely benign for Nemaline myopathy 2. Last evaluated: 2026-02-04. Review status: criteria provided, single submitter. Criteria: Invitae Variant Classification Sherloc (09022015). Collection method: clinical testing. Allele origin: germline.

Blueprint Genetics
Classification: Benign. Last evaluated: 2024-11-26. Review status: criteria provided, single submitter. Criteria: ACMG Guidelines, 2015. Collection method: clinical testing. Allele origin: germline.

Mayo Clinic Laboratories, Mayo Clinic
Classification: Benign. Last evaluated: 2021-12-27. Review status: criteria provided, single submitter. Criteria: ACMG Guidelines, 2015. Collection method: clinical testing. Allele origin: germline. Observed: 15 variant alleles.

Illumina Laboratory Services, Illumina
Classification: Benign for Nemaline myopathy 2. Last evaluated: 2018-01-13. Review status: criteria provided, single submitter. Criteria: ICSL Variant Classification Criteria 13 December 2019. Collection method: clinical testing. Allele origin: germline.
Comment: This variant was observed in the ICSL laboratory as part of a predisposition screen in an ostensibly healthy population. It had not been previously curated by ICSL or reported in the Human Gene Mutation Database (HGMD: prior to June 1st, 2018), and was therefore a candidate for classification through an automated scoring system. Utilizing variant allele frequency, disease prevalence and penetrance estimates, and inheritance mode, an automated score was calculated to assess if this variant is too frequent to cause the disease. Based on the score and internal cut-off values, a variant classified as benign is not then subjected to further curation. The score for this variant resulted in a classification of benign for this disease.

GeneDx
Classification: Likely benign. Last evaluated: 2017-08-14. Review status: criteria provided, single submitter. Criteria: GeneDx Variant Classification (06012015). Collection method: clinical testing. Allele origin: germline. Affected: yes.
Comment: This variant is considered likely benign or benign based on one or more of the following criteria: it is a conservative change, it occurs at a poorly conserved position in the protein, it is predicted to be benign by multiple in silico algorithms, and/or has population frequency not consistent with disease.

Eurofins Ntd Llc (ga)
Classification: Benign. Last evaluated: 2017-04-10. Review status: criteria provided, single submitter. Criteria: EGL Classification Definitions 2015. Collection method: clinical testing. Allele origin: germline. Observed: 9 variant alleles, 7 heterozygotes.

Breakthrough Genomics
Classification: Likely benign. Review status: criteria provided, single submitter. Criteria: ACMG Guidelines, 2015. Collection method: not provided. Allele origin: germline. Inheritance: Autosomal recessive inheritance. Affected: yes.

Genome Diagnostics Laboratory, University Medical Center Utrecht
Classification: Benign. Review status: no assertion criteria provided. Collection method: clinical testing. Allele origin: germline. Affected: yes. Study: VKGL Data-share Consensus. Not counted in ClinVar's aggregate classification.

Laboratory of Diagnostic Genome Analysis, Leiden University Medical Center (LUMC)
Classification: Likely benign. Review status: no assertion criteria provided. Collection method: clinical testing. Allele origin: germline. Affected: yes. Study: VKGL Data-share Consensus. Not counted in ClinVar's aggregate classification.